The following is an entry in ClinVar:

ClinVar aggregate classification (germline): Conflicting classifications of pathogenicity. Review status: criteria provided, conflicting classifications (1 of 4 stars). 3 submissions from 3 submitters: Uncertain significance (2); Likely benign (1). Last evaluated 2025-12-21.

Conditions:
Familial thoracic aortic aneurysm and aortic dissection (TAAD). Also called: Thoracic aortic aneurysms and dissections. Identifiers: Orphanet 91387, MedGen C4707243, MONDO:0019625.
Ehlers-Danlos syndrome, classic type, 1 (EDSCL1). Also called: EHLERS-DANLOS SYNDROME, GRAVIS TYPE; EHLERS-DANLOS SYNDROME, SEVERE CLASSIC TYPE; EDS I; Ehlers-Danlos Syndrome, Classic Type, COL5A1-Related; Ehlers-Danlos syndrome, type 1. Identifiers: MedGen C0268335, MONDO:0019567, OMIM 130000.

Allele frequency attached by ClinVar (database versions not stated): gnomAD 0.00002.
gnomAD v4.1: 8 of 1,611,648 alleles (0.0005%); highest among the groups gnomAD compares: Non-Finnish European, 0.00068%; no homozygotes.

Submissions (3):

Ambry Genetics
Classification: Uncertain significance for Familial thoracic aortic aneurysm and aortic dissection. Last evaluated: 2025-12-21. Review status: criteria provided, single submitter. Criteria: Ambry Variant Classification Scheme 2023. Collection method: clinical testing. Allele origin: germline.
Comment: The p.P1460T variant (also known as c.4378C>A), located in coding exon 56 of the COL5A1 gene, results from a C to A substitution at nucleotide position 4378. The proline at codon 1460 is replaced by threonine, an amino acid with highly similar properties. This amino acid position is conserved. In addition, the in silico prediction for this alteration is inconclusive. Based on the available evidence, the clinical significance of this variant remains unclear.

GeneDx
Classification: Uncertain significance. Last evaluated: 2025-12-16. Review status: criteria provided, single submitter. Criteria: GeneDx Variant Classification Process June 2021. Collection method: clinical testing. Allele origin: germline. Affected: yes.
Comment: Has not been previously published as pathogenic or benign to our knowledge; In silico analysis supports that this missense variant has a deleterious effect on protein structure/function; Not observed at significant frequency in large population cohorts (gnomAD); This variant is associated with the following publications: (PMID: 22696272)

Labcorp Genetics (formerly Invitae), Labcorp
Classification: Likely benign for Ehlers-Danlos syndrome, classic type, 1. Last evaluated: 2025-07-31. Review status: criteria provided, single submitter. Criteria: Invitae Variant Classification Sherloc (09022015). Collection method: clinical testing. Allele origin: germline.

NM_000093.5(COL5A1):c.4378C>A (p.Pro1460Thr)

Gene: COL5A1 (collagen type V alpha 1 chain; plus strand). Cytogenetic location: 9q34.3.
Variant type: single nucleotide variant.
Coding change: c.4378C>A on transcript NM_000093.5 (MANE Select); coding-DNA position 4378, C replaced by A.
Protein change: p.Pro1460Thr; replaces proline 1460 with threonine.
Molecular consequence: missense variant.
Genome position (GRCh38, 1-based): chr9:134,818,887, C>A. VCF-style: chr9-134818887-C-A. GRCh37 (hg19) VCF-style: chr9-137710733-C-A.
Other names: c.4378C>A, p.Pro1460Thr (NM_001278074.1); short protein forms P1460T.
Identifiers: ClinVar variation 451744 (VCV000451744.54), dbSNP rs773125713, ClinGen allele CA375457430.